The following is an entry in ClinVar:

ClinVar aggregate classification (germline): Uncertain significance (1 of 4 stars; one submission).

Submission:

Women's Health and Genetics/Laboratory Corporation of America, LabCorp
Classification: Uncertain significance. Last evaluated: 2024-09-20. Review status: criteria provided, single submitter. Criteria: LabCorp Variant Classification Summary - May 2015. Collection method: clinical testing. Allele origin: germline.
Comment: Variant summary: CTSC c.778T>C (p.Ser260Pro) results in a non-conservative amino acid change located in the Peptidase C1A, papain C-terminal domain (IPR000668) of the encoded protein sequence. Five of five in-silico tools predict a damaging effect of the variant on protein function. The variant was absent in 251372 control chromosomes. The available data on variant occurrences in the general population are insufficient to allow any conclusion about variant significance. c.778T>C has been reported in the literature in the compound heterozygous state in at least 1 individuals affected with Papillon-Lefevre syndrome (example, Yang_2007). These data do not allow any conclusion about variant significance. To our knowledge, no experimental evidence demonstrating an impact on protein function has been reported. The following publication has been ascertained in the context of this evaluation (PMID: 17652201). No submitters have cited clinical-significance assessments for this variant to ClinVar. Based on the evidence outlined above, the variant was classified as uncertain significance.

Literature cited by the submitters: PubMed 17652201.

NM_001814.6(CTSC):c.778T>C (p.Ser260Pro)

Gene: CTSC (cathepsin C; minus strand). Cytogenetic location: 11q14.2.
Variant type: single nucleotide variant.
Coding change: c.778T>C on transcript NM_001814.6 (MANE Select); coding-DNA position 778, T replaced by C.
Protein change: p.Ser260Pro; replaces serine 260 with proline.
Molecular consequence: missense variant.
Genome position (GRCh38, 1-based): chr11:88,296,244, A>G on the plus strand (T>C on the coding strand, the complement: CTSC is on the minus strand). VCF-style: chr11-88296244-A-G. GRCh37 (hg19) VCF-style: chr11-88029412-A-G.
Other names: short protein forms S260P.
Identifiers: ClinVar variation 3375340 (VCV003375340.1).